The following is an entry in ClinVar:

NM_000166.6(GJB1):c.197A>G (p.Asp66Gly)

Gene: GJB1 (gap junction protein beta 1; plus strand). Cytogenetic location: Xq13.1.
Variant type: single nucleotide variant.
Coding change: c.197A>G on transcript NM_000166.6 (MANE Select); coding-DNA position 197, A replaced by G.
Protein change: p.Asp66Gly; replaces aspartic acid 66 with glycine.
Molecular consequence: missense variant.
Genome position (GRCh38, 1-based): chrX:71,223,904, A>G. VCF-style: chrX-71223904-A-G. GRCh37 (hg19) VCF-style: chrX-70443754-A-G.
Other names: c.197A>G, p.Asp66Gly (NM_001097642.3); short protein forms D66G.
Identifiers: ClinVar variation 2755104 (VCV002755104.3), dbSNP rs2519798034, ClinGen allele CA413501388.

ClinVar aggregate classification (germline): Uncertain significance (1 of 4 stars; one submission).

Conditions:
Charcot-Marie-Tooth Neuropathy X. Identifiers: MedGen CN118851.

Submission:

Labcorp Genetics (formerly Invitae), Labcorp
Classification: Uncertain significance for Charcot-Marie-Tooth Neuropathy X. Last evaluated: 2023-09-07. Review status: criteria provided, single submitter. Criteria: Invitae Variant Classification Sherloc (09022015). Collection method: clinical testing. Allele origin: germline.
Comment: This variant has not been reported in the literature in individuals affected with GJB1-related conditions. In summary, the available evidence is currently insufficient to determine the role of this variant in disease. Therefore, it has been classified as a Variant of Uncertain Significance. This variant disrupts the p.Asp66 amino acid residue in GJB1. Other variant(s) that disrupt this residue have been observed in individuals with GJB1-related conditions (PMID: 21300330, 34190362), which suggests that this may be a clinically significant amino acid residue. Advanced modeling of protein sequence and biophysical properties (such as structural, functional, and spatial information, amino acid conservation, physicochemical variation, residue mobility, and thermodynamic stability) performed at Invitae indicates that this missense variant is expected to disrupt GJB1 protein function. This variant is not present in population databases (gnomAD no frequency). This sequence change replaces aspartic acid, which is acidic and polar, with glycine, which is neutral and non-polar, at codon 66 of the GJB1 protein (p.Asp66Gly).

Literature cited by the submitters: PubMed 21300330; PubMed 34190362.